The following is an entry in ClinVar:

NM_005477.3(HCN4):c.569T>A (p.Val190Glu)

Gene: HCN4 (hyperpolarization activated cyclic nucleotide gated potassium channel 4; minus strand). Cytogenetic location: 15q24.1.
Variant type: single nucleotide variant.
Coding change: c.569T>A on transcript NM_005477.3 (MANE Select); coding-DNA position 569, T replaced by A.
Protein change: p.Val190Glu; replaces valine 190 with glutamic acid.
Molecular consequence: missense variant.
Genome position (GRCh38, 1-based): chr15:73,367,702, A>T on the plus strand (T>A on the coding strand, the complement: HCN4 is on the minus strand). VCF-style: chr15-73367702-A-T. GRCh37 (hg19) VCF-style: chr15-73660043-A-T.
Other names: short protein forms V190E.
Identifiers: ClinVar variation 191455 (VCV000191455.1), dbSNP rs786205269, ClinGen allele CA236707.

ClinVar aggregate classification (germline): Uncertain significance (1 of 4 stars; one submission).

Submission:

Biesecker Lab/Clinical Genomics Section, National Institutes of Health
Classification: Uncertain significance. Last evaluated: 2013-06-24. Review status: criteria provided, single submitter. Criteria: Ng et al. (Circ Cardiovasc Genet. 2013). Collection method: research. Allele origin: unknown. Observed: 1 variant allele. Study: ClinSeq.
Comment: The study set was not selected for affection status in relation to any cancer. Pathogenicity categories were based on literature curation. See Pubmed ID:23861362 for details.

Medical sequencing